The following is an entry in ClinVar:

NM_000179.3(MSH6):c.1692A>T (p.Ser564=)

Gene: MSH6 (mutS homolog 6; plus strand). Cytogenetic location: 2p16.3.
Variant type: single nucleotide variant.
Coding change: c.1692A>T on transcript NM_000179.3 (MANE Select); coding-DNA position 1692, A replaced by T.
Protein change: p.Ser564=; no amino-acid change (serine 564 retained).
Molecular consequence: synonymous variant. On other transcripts: non-coding transcript variant (4), intron variant (2).
Genome position (GRCh38, 1-based): chr2:47,799,675, A>T. VCF-style: chr2-47799675-A-T. GRCh37 (hg19) VCF-style: chr2-48026814-A-T.
Other names: c.1302A>T, p.Ser434= (NM_001281492.2); c.786A>T, p.Ser262= (NM_001281493.2, NM_001281494.2, NM_001406811.1 and 6 more transcripts); c.1788A>T, p.Ser596= (NM_001406795.1, NM_001406802.1); c.1692A>T, p.Ser564= (NM_001406796.1, NM_001406798.1, NM_001406800.1 and 3 more transcripts); c.1395A>T, p.Ser465= (NM_001406797.1, NM_001406801.1, NM_001406805.1 and 10 more transcripts); c.1167A>T, p.Ser389= (NM_001406799.1, NM_001406806.1, NM_001406807.1); c.1614A>T, p.Ser538= (NM_001406804.1); c.1698A>T, p.Ser566= (NM_001406813.1); and 3 more.
Identifiers: ClinVar variation 3903869 (VCV003903869.2).

ClinVar aggregate classification (germline): Benign/Likely benign. Review status: criteria provided, multiple submitters, no conflicts (2 of 4 stars). 2 submissions from 2 submitters: Benign (1); Likely benign (1). Last evaluated 2025-07-28.

Conditions:
Lynch syndrome 5 (LYNCH5). Also called: Colorectal cancer, hereditary nonpolyposis, type 5; Hereditary non-polyposis colorectal cancer, type 5. Identifiers: Orphanet 144, MedGen C1833477, MONDO:0013710, OMIM 614350. Disease mechanism: loss of function.
Hereditary cancer-predisposing syndrome. Also called: Hereditary Cancer Syndrome; Hereditary neoplastic syndrome; Neoplastic Syndromes, Hereditary; Tumor predisposition. Identifiers: Orphanet 140162, MedGen C0027672, MeSH D009386, MONDO:0015356.

Submissions (2):

Ambry Genetics
Classification: Likely benign for Hereditary cancer-predisposing syndrome. Last evaluated: 2025-07-28. Review status: criteria provided, single submitter. Criteria: Ambry Variant Classification Scheme 2023. Collection method: clinical testing. Allele origin: germline.

Myriad Genetics, Inc.
Classification: Benign for Lynch syndrome 5. Last evaluated: 2024-12-27. Review status: criteria provided, single submitter. Criteria: Myriad Autosomal Dominant, Autosomal Recessive and X-Linked Classification Criteria (2023). Collection method: clinical testing. Allele origin: unknown.
Comment: This variant is considered benign. This variant is a silent/synonymous amino acid change and it is not expected to impact splicing.